The following is an entry in ClinVar:

ClinVar aggregate classification (germline): Conflicting classifications of pathogenicity. Review status: criteria provided, conflicting classifications (1 of 4 stars). 2 submissions from 2 submitters: Pathogenic (1); Uncertain significance (1). Last evaluated 2024-12-04.

Conditions:
Pulmonary fibrosis. Identifiers: MedGen C0034069, MONDO:0002771, HP:0002206.

gnomAD v4.1: 5 of 1,614,100 alleles (0.00031%); highest among the groups gnomAD compares: Non-Finnish European, 0.00034%; no homozygotes.

Submissions (2):

Labcorp Genetics (formerly Invitae), Labcorp
Classification: Uncertain significance. Last evaluated: 2024-12-04. Review status: criteria provided, single submitter. Criteria: Invitae Variant Classification Sherloc (09022015). Collection method: clinical testing. Allele origin: germline.
Comment: This sequence change creates a premature translational stop signal (p.Arg375*) in the NAF1 gene. While this is not anticipated to result in nonsense mediated decay, it is expected to disrupt the last 120 amino acid(s) of the NAF1 protein. This variant is present in population databases (no rsID available, gnomAD 0.0009%). This variant has not been reported in the literature in individuals affected with NAF1-related conditions. ClinVar contains an entry for this variant (Variation ID: 1695938). Experimental studies and prediction algorithms are not available or were not evaluated, and the functional significance of this variant is currently unknown. In summary, the available evidence is currently insufficient to determine the role of this variant in disease. Therefore, it has been classified as a Variant of Uncertain Significance.

Garcia Pulmonary Genetics Research Laboratory, Columbia University Irving Medical Center
Classification: Pathogenic for Pulmonary fibrosis. Last evaluated: 2022-06-09. Review status: criteria provided, single submitter. Criteria: ACMG Guidelines, 2015. Collection method: research. Allele origin: germline. Affected: yes.
Comment: Pathogenic criteria: null variant (PVS1) with functional study supportive of damaging effect (PS3): leukocyte telomere length (by qPCR) less than 10th percentile age-adjusted

NM_138386.3(NAF1):c.1123C>T (p.Arg375Ter)

Gene: NAF1 (nuclear assembly factor 1 ribonucleoprotein; minus strand). Cytogenetic location: 4q32.2.
Variant type: single nucleotide variant.
Coding change: c.1123C>T on transcript NM_138386.3 (MANE Select); coding-DNA position 1123, C replaced by T.
Protein change: p.Arg375Ter; replaces arginine 375 with a stop codon.
Molecular consequence: nonsense. On other transcripts: intron variant (1).
Genome position (GRCh38, 1-based): chr4:163,129,259, G>A on the plus strand (C>T on the coding strand, the complement: NAF1 is on the minus strand). VCF-style: chr4-163129259-G-A. GRCh37 (hg19) VCF-style: chr4-164050411-G-A.
Other names: p.Arg375*; c.1034-2144C>T (NM_001128931.2); short protein forms R375*.
Identifiers: ClinVar variation 1695938 (VCV001695938.4), dbSNP rs1414961716, ClinGen allele CA358663286.